The following is an entry in ClinVar:

NM_000384.3(APOB):c.9718G>A (p.Asp3240Asn)

Gene: APOB (apolipoprotein B; minus strand). Cytogenetic location: 2p24.1.
Variant type: single nucleotide variant.
Coding change: c.9718G>A on transcript NM_000384.3 (MANE Select); coding-DNA position 9718, G replaced by A.
Protein change: p.Asp3240Asn; replaces aspartic acid 3240 with asparagine.
Molecular consequence: missense variant.
Genome position (GRCh38, 1-based): chr2:21,007,150, C>T on the plus strand (G>A on the coding strand, the complement: APOB is on the minus strand). VCF-style: chr2-21007150-C-T. GRCh37 (hg19) VCF-style: chr2-21230022-C-T.
Other names: short protein forms D3240N.
Identifiers: ClinVar variation 966197 (VCV000966197.16), dbSNP rs769213768, ClinGen allele CA066789.
Genomic context (GRCh38, chr2:21,007,150, plus strand): 5'-CTTCAACATTGACAACTGGAACAGTGTATCCAGGAATTTGAAAGGTCCTGGGGAGCTCGT[C>T]GTGAGATTTTTCAGCTTTGTACTTATCAAACTTAATTTTTGTTTCATTATAGGATTTGGT-3'
Protein context (NP_000375.3, residues 3230-3250): FDKYKAEKSH[Asp3240Asn]ELPRTFQIPG

ClinVar aggregate classification (germline): Conflicting classifications of pathogenicity. Review status: criteria provided, conflicting classifications (1 of 4 stars). 4 submissions from 4 submitters: Uncertain significance (2); Likely benign (2). Last evaluated 2025-12-09.

Conditions:
Hypercholesterolemia, autosomal dominant, type B (FHCL2). Also called: Hyperlipoproteinemia Type IIb; Familial hypercholesterolemia 2; HYPERCHOLESTEROLEMIA, FAMILIAL, DUE TO LIGAND-DEFECTIVE APOLIPOPROTEIN B; APOLIPOPROTEIN B-100, FAMILIAL DEFECTIVE; APOLIPOPROTEIN B-100, FAMILIAL LIGAND-DEFECTIVE; APOB-Related Familial Hypercholesterolemia, Autosomal Dominant. Identifiers: MedGen C1704417, MONDO:0007751, OMIM 144010.
Familial hypobetalipoproteinemia 1. Also called: Hypobetalipoproteinemia, normotriglyceridemic; Acanthocytosis with hypobetalipoproteinemia; APOB-Related Familial Hypobetalipoproteinemia. Identifiers: MedGen C4551990, MONDO:0014252, OMIM 615558.
Cardiovascular phenotype. Identifiers: MedGen CN230736.

Allele frequency attached by ClinVar (database versions not stated): gnomAD exomes 0.00003 and 0.00005; ExAC 0.00004; gnomAD 0.00006; TOPMed 0.00011.
gnomAD v4.1: 76 of 1,613,756 alleles (0.0047%); highest among the groups gnomAD compares: Admixed American, 0.01%; no homozygotes.

Submissions (4):

Labcorp Genetics (formerly Invitae), Labcorp
Classification: Likely benign for Familial hypobetalipoproteinemia 1; Hypercholesterolemia, autosomal dominant, type B. Last evaluated: 2025-12-09. Review status: criteria provided, single submitter. Criteria: Invitae Variant Classification Sherloc (09022015). Collection method: clinical testing. Allele origin: germline.

Quest Diagnostics Nichols Institute San Juan Capistrano
Classification: Uncertain significance. Last evaluated: 2025-07-16. Review status: criteria provided, single submitter. Criteria: Quest Diagnostics criteria. Collection method: clinical testing. Allele origin: unknown.
Comment: The APOB c.9718G>A (p.Asp3240Asn) variant has not been reported in the germline of individuals with APOB-related conditions in the published literature. The frequency of this variant in the general population (Genome Aggregation Database) is uninformative in the assessment of its pathogenicity. Analysis of this variant using bioinformatics tools for the prediction of the effect of amino acid changes on protein structure and function yielded predictions that this variant is benign. Based on the available information, we are unable to determine the clinical significance of this variant.

Blueprint Genetics
Classification: Uncertain significance. Last evaluated: 2024-07-31. Review status: criteria provided, single submitter. Criteria: ACMG Guidelines, 2015. Collection method: clinical testing. Allele origin: germline.

Ambry Genetics
Classification: Likely benign for Cardiovascular phenotype. Last evaluated: 2019-10-31. Review status: criteria provided, single submitter. Criteria: Ambry Variant Classification Scheme 2023. Collection method: clinical testing. Allele origin: germline.

Literature cited by the submitters: PubMed 25719666 (cited by Quest Diagnostics Nichols Institute San Juan Capistrano); PubMed 31647501 (cited by Quest Diagnostics Nichols Institute San Juan Capistrano).